The following is an entry in ClinVar:

NM_000535.7(PMS2):c.1556A>T (p.Tyr519Phe)

Gene: PMS2 (PMS1 homolog 2, mismatch repair system component; minus strand). Cytogenetic location: 7p22.1.
Variant type: single nucleotide variant.
Coding change: c.1556A>T on transcript NM_000535.7 (MANE Select); coding-DNA position 1556, A replaced by T.
Protein change: p.Tyr519Phe; replaces tyrosine 519 with phenylalanine.
Molecular consequence: missense variant. On other transcripts: non-coding transcript variant (1), intron variant (1).
Genome position (GRCh38, 1-based): chr7:5,987,209, T>A on the plus strand (A>T on the coding strand, the complement: PMS2 is on the minus strand). VCF-style: chr7-5987209-T-A. GRCh37 (hg19) VCF-style: chr7-6026840-T-A.
Other names: c.1151A>T, p.Tyr384Phe (NM_001322003.2, NM_001322004.2, NM_001322005.2 and 16 more transcripts); c.1400A>T, p.Tyr467Phe (NM_001322006.2, NM_001406870.1); c.1238A>T, p.Tyr413Phe (NM_001322007.2, NM_001322008.2, NM_001406876.1 and 2 more transcripts); c.995A>T, p.Tyr332Phe (NM_001322010.2, NM_001406907.1, NM_001406906.1); c.623A>T, p.Tyr208Phe (NM_001322011.2, NM_001322012.2); c.983A>T, p.Tyr328Phe (NM_001322013.2, NM_001406909.1); c.1556A>T, p.Tyr519Phe (NM_001322014.2, NM_001406871.1, NM_001406872.1); c.1247A>T, p.Tyr416Phe (NM_001322015.2, NM_001406875.1, NM_001406877.1 and 5 more transcripts); and 13 more; short protein forms Y328F, Y407F, Y411F, Y463F, Y483F, Y262F, Y364F, Y397F.
Identifiers: ClinVar variation 3572133 (VCV003572133.2).
Genomic context (GRCh38, chr7:5,987,209, plus strand): 5'-GCTTTCTCCTGAGAGTCCACATGTTCCTGCGAGCCCCTGTCCCCTGGGGAGCTGGCCGCA[T>A]ACTCGCTGCTGCAGTGACTGCCCGTGTCTGGGATGCTGAACCCCTCAGAATCCACGGAAG-3'
Protein context (NP_000526.2, residues 509-529): PDTGSHCSSE[Tyr519Phe]AASSPGDRGS

ClinVar aggregate classification (germline): Conflicting classifications of pathogenicity. Review status: criteria provided, conflicting classifications (1 of 4 stars). 2 submissions from 2 submitters: Uncertain significance (1); Likely benign (1). Last evaluated 2026-08-27.

Conditions:
Hereditary cancer-predisposing syndrome. Also called: Hereditary neoplastic syndrome; Neoplastic Syndromes, Hereditary; Tumor predisposition; Hereditary Cancer Syndrome. Identifiers: Orphanet 140162, MedGen C0027672, MeSH D009386, MONDO:0015356.

Submissions (2):

Ambry Genetics
Classification: Likely benign for Hereditary cancer-predisposing syndrome. Last evaluated: 2026-08-27. Review status: criteria provided, single submitter. Criteria: Ambry Variant Classification Scheme 2023. Collection method: clinical testing. Allele origin: germline.

Quest Diagnostics Nichols Institute San Juan Capistrano
Classification: Uncertain significance. Last evaluated: 2024-01-09. Review status: criteria provided, single submitter. Criteria: Quest Diagnostics criteria. Collection method: clinical testing. Allele origin: unknown.
Comment: The PMS2 c.1556A>T (p.Tyr519Phe) variant has not been reported in individuals with PMS2-related conditions in the published literature. It also has not been reported in large, multi-ethnic general populations (Genome Aggregation Database). Analysis of this variant using bioinformatics tools for the prediction of the effect of amino acid changes on protein structure and function yielded predictions that this variant is benign. Based on the available information, we are unable to determine the clinical significance of this variant.